The following is an entry in ClinVar:

ClinVar aggregate classification (germline): Likely benign. Review status: criteria provided, multiple submitters, no conflicts (2 of 4 stars). 2 submissions from 2 submitters: Likely benign (2). Last evaluated 2025-10-03.

Conditions:
Dilated cardiomyopathy 1G (CMD1G). Identifiers: Orphanet 154, MedGen C1858763, MONDO:0011400, OMIM 604145.
Autosomal recessive limb-girdle muscular dystrophy type 2J (LGMDR10). Also called: MUSCULAR DYSTROPHY, LIMB-GIRDLE, AUTOSOMAL RECESSIVE 10; Limb-girdle muscular dystrophy, type 2J. Identifiers: Orphanet 140922, MedGen C1837342, MONDO:0012127, OMIM 608807.

Allele frequency attached by ClinVar (database versions not stated): TOPMed below 0.00001; gnomAD 0.00001.
gnomAD v4.1: 1 of 1,612,970 alleles (0.000062%); highest among the groups gnomAD compares: African/African-American, 0.0013%; no homozygotes.

Submissions (2):

Labcorp Genetics (formerly Invitae), Labcorp
Classification: Likely benign for Dilated cardiomyopathy 1G; Autosomal recessive limb-girdle muscular dystrophy type 2J. Last evaluated: 2025-10-03. Review status: criteria provided, single submitter. Criteria: Invitae Variant Classification Sherloc (09022015). Collection method: clinical testing. Allele origin: germline.

GeneDx
Classification: Likely benign. Last evaluated: 2016-08-10. Review status: criteria provided, single submitter. Criteria: GeneDx Variant Classification (06012015). Collection method: clinical testing. Allele origin: germline. Affected: yes.
Comment: This variant is considered likely benign or benign based on one or more of the following criteria: it is a conservative change, it occurs at a poorly conserved position in the protein, it is predicted to be benign by multiple in silico algorithms, and/or has population frequency not consistent with disease.

NM_001267550.2(TTN):c.39597C>A (p.Pro13199=)

Gene: TTN (titin; minus strand). Cytogenetic location: 2q31.2.
Variant type: single nucleotide variant.
Coding change: c.39597C>A on transcript NM_001267550.2 (MANE Select); coding-DNA position 39597, C replaced by A.
Protein change: p.Pro13199=; no amino-acid change (proline 13199 retained).
Molecular consequence: synonymous variant. On other transcripts: intron variant (3).
Genome position (GRCh38, 1-based): chr2:178,651,271, G>T on the plus strand (C>A on the coding strand, the complement: TTN is on the minus strand). VCF-style: chr2-178651271-G-T. GRCh37 (hg19) VCF-style: chr2-179515998-G-T.
Other names: c.35076C>A, p.Pro11692= (NM_001256850.1); c.32295C>A, p.Pro10765= (NM_133378.4); c.13283-8954C>A (NM_003319.4); c.13859-8954C>A (NM_133437.4); c.13658-8954C>A (NM_133432.3).
Identifiers: ClinVar variation 388187 (VCV000388187.6), dbSNP rs776088323, ClinGen allele CA16603927.